The following is an entry in ClinVar:

NM_000059.4(BRCA2):c.995T>G (p.Ile332Ser)

Gene: BRCA2 (BRCA2 DNA repair associated; plus strand). Cytogenetic location: 13q13.1.
Variant type: single nucleotide variant.
Coding change: c.995T>G on transcript NM_000059.4 (MANE Select); coding-DNA position 995, T replaced by G.
Protein change: p.Ile332Ser; replaces isoleucine 332 with serine.
Molecular consequence: missense variant. On other transcripts: non-coding transcript variant (1), intron variant (1).
Genome position (GRCh38, 1-based): chr13:32,332,473, T>G. VCF-style: chr13-32332473-T-G. GRCh37 (hg19) VCF-style: chr13-32906610-T-G.
Other names: c.995T>G, p.Ile332Ser (NM_001406719.1, NM_001406720.1, NM_001406721.1); c.424+1443T>G (NM_001406722.1); short protein forms I332S.
Identifiers: ClinVar variation 3261591 (VCV003261591.1).

ClinVar aggregate classification (germline): Uncertain significance (1 of 4 stars; one submission).

Conditions:
Hereditary cancer-predisposing syndrome. Also called: Hereditary Cancer Syndrome; Tumor predisposition; Hereditary neoplastic syndrome; Neoplastic Syndromes, Hereditary. Identifiers: Orphanet 140162, MedGen C0027672, MeSH D009386, MONDO:0015356.

Submission:

Ambry Genetics
Classification: Uncertain significance for Hereditary cancer-predisposing syndrome. Last evaluated: 2024-05-09. Review status: criteria provided, single submitter. Criteria: Ambry Variant Classification Scheme 2023. Collection method: clinical testing. Allele origin: germline.
Comment: The p.I332S variant (also known as c.995T>G), located in coding exon 9 of the BRCA2 gene, results from a T to G substitution at nucleotide position 995. The isoleucine at codon 332 is replaced by serine, an amino acid with dissimilar properties. This amino acid position is not well conserved in available vertebrate species. In addition, this alteration is predicted to be tolerated by in silico analysis. Based on the available evidence, the clinical significance of this variant remains unclear.